The following is an entry in ClinVar:

NM_001148.6(ANK2):c.9061G>C (p.Ala3021Pro)

Gene: ANK2 (ankyrin 2; plus strand). Cytogenetic location: 4q26.
Variant type: single nucleotide variant.
Coding change: c.9061G>C on transcript NM_001148.6 (MANE Select); coding-DNA position 9061, G replaced by C.
Protein change: p.Ala3021Pro; replaces alanine 3021 with proline.
Molecular consequence: missense variant. On other transcripts: intron variant (68).
Genome position (GRCh38, 1-based): chr4:113,357,679, G>C. VCF-style: chr4-113357679-G-C. GRCh37 (hg19) VCF-style: chr4-114278835-G-C.
Other names: c.4400-3144G>C (NM_001127493.3); c.4364-3144G>C (NM_001386143.1, NM_001354243.2, NM_001354255.2); c.4265-3144G>C (NM_001354262.2, NM_001354275.2, NM_001354245.2); c.4202-3144G>C (NM_001354253.2, NM_001354270.2); c.4166-3144G>C (NM_001354257.2, NM_001386156.1); c.4241-3144G>C (NM_001354249.2, NM_001354266.2, NM_001354276.2 and 2 more transcripts); c.4208-3144G>C (NM_001386146.1, NM_001386150.1, NM_001386149.1 and 1 more transcripts); c.4193-3144G>C (NM_001354274.2, NM_001386154.1); and 35 more; short protein forms A3021P, A3060P, A3068P, A1821P, A2943P.
Identifiers: ClinVar variation 2894073 (VCV002894073.3), dbSNP rs74348333, ClinGen allele CA357936490.

ClinVar aggregate classification (germline): Uncertain significance (1 of 4 stars; one submission).

Conditions:
Long QT syndrome (LQTS). Identifiers: MedGen C0023976, MeSH D008133, MONDO:0002442. Disease mechanism: loss of function. Inheritance: Various modes of inheritance.

gnomAD v4.1: 1 of 1,614,014 alleles (0.000062%); highest among the groups gnomAD compares: Non-Finnish European, 0.000085%; no homozygotes.

Submission:

Labcorp Genetics (formerly Invitae), Labcorp
Classification: Uncertain significance for Long QT syndrome. Last evaluated: 2022-11-22. Review status: criteria provided, single submitter. Criteria: Invitae Variant Classification Sherloc (09022015). Collection method: clinical testing. Allele origin: germline.
Comment: In summary, the available evidence is currently insufficient to determine the role of this variant in disease. Therefore, it has been classified as a Variant of Uncertain Significance. Algorithms developed to predict the effect of missense changes on protein structure and function (SIFT, PolyPhen-2, Align-GVGD) all suggest that this variant is likely to be tolerated. This variant has not been reported in the literature in individuals affected with ANK2-related conditions. This variant is not present in population databases (gnomAD no frequency). This sequence change replaces alanine, which is neutral and non-polar, with proline, which is neutral and non-polar, at codon 3021 of the ANK2 protein (p.Ala3021Pro).